The following is an entry in ClinVar:

ClinVar aggregate classification (germline): Uncertain significance (1 of 4 stars; one submission).

Submission:

Labcorp Genetics (formerly Invitae), Labcorp
Classification: Uncertain significance. Last evaluated: 2026-01-24. Review status: criteria provided, single submitter. Criteria: Invitae Variant Classification Sherloc (09022015). Collection method: clinical testing. Allele origin: germline.
Comment: This sequence change replaces aspartic acid, which is acidic and polar, with asparagine, which is neutral and polar, at codon 126 of the MC4R protein (p.Asp126Asn). This variant is not present in population databases (gnomAD no frequency). This variant has not been reported in the literature in individuals affected with MC4R-related conditions. Invitae Evidence Modeling of protein sequence and biophysical properties (such as structural, functional, and spatial information, amino acid conservation, physicochemical variation, residue mobility, and thermodynamic stability) has been performed for this missense variant. However, the output from this modeling did not meet the statistical confidence thresholds required to predict the impact of this variant on MC4R protein function. In summary, the available evidence is currently insufficient to determine the role of this variant in disease. Therefore, it has been classified as a Variant of Uncertain Significance.

NM_005912.3(MC4R):c.376G>A (p.Asp126Asn)

Gene: MC4R (melanocortin 4 receptor; minus strand). Cytogenetic location: 18q21.32.
Variant type: single nucleotide variant.
Coding change: c.376G>A on transcript NM_005912.3 (MANE Select); coding-DNA position 376, G replaced by A.
Protein change: p.Asp126Asn; replaces aspartic acid 126 with asparagine.
Molecular consequence: missense variant.
Genome position (GRCh38, 1-based): chr18:60,371,974, C>T on the plus strand (G>A on the coding strand, the complement: MC4R is on the minus strand). VCF-style: chr18-60371974-C-T. GRCh37 (hg19) VCF-style: chr18-58039207-C-T.
Other names: short protein forms D126N.
Identifiers: ClinVar variation 4744366 (VCV004744366.1).
Genomic context (GRCh38, chr18:60,371,974, plus strand): 5'-CCACTGCAATTGAAAGCAGGCTGCAAATGGATGCAAGCAAGGAGCTACAGATCACCGAGT[C>T]AATGACATTATCAATATTCACTGTGAAACTCTGTGCATCCGTATCTGTACTGTTTAATAG-3'
Protein context (NP_005903.2, residues 116-136): SFTVNIDNVI[Asp126Asn]SVICSSLLAS